The following is an entry in ClinVar:

ClinVar aggregate classification (germline): Conflicting classifications of pathogenicity. Review status: criteria provided, conflicting classifications (1 of 4 stars). 3 submissions from 3 submitters: Uncertain significance (1); Likely benign (1). 1 of the submissions does not count toward it. Last evaluated 2025-11-23.

Conditions:
CLN3-related disorder. Also called: CLN3-related condition. Identifiers: MedGen CN382248.
Neuronal ceroid lipofuscinosis. Also called: Neuronal Ceroid Lipofuscinoses. Identifiers: Orphanet 216, Orphanet 79263, MedGen C0027877, MONDO:0016295. Disease mechanism: loss of function.

Allele frequency attached by ClinVar (database versions not stated): gnomAD exomes 0.00010 and 0.00002; ExAC 0.00012; gnomAD 0.00003; TOPMed 0.00003.
gnomAD v4.1: 36 of 1,613,960 alleles (0.0022%); highest among the groups gnomAD compares: East Asian, 0.069%; no homozygotes.

Submissions (3):

Labcorp Genetics (formerly Invitae), Labcorp
Classification: Likely benign for Neuronal ceroid lipofuscinosis. Last evaluated: 2025-11-23. Review status: criteria provided, single submitter. Criteria: Invitae Variant Classification Sherloc (09022015). Collection method: clinical testing. Allele origin: germline.

Eurofins Ntd Llc (ga)
Classification: Uncertain significance. Last evaluated: 2016-04-11. Review status: criteria provided, single submitter. Criteria: EGL Classification Definitions 2015. Collection method: clinical testing. Allele origin: germline. Observed: 1 variant allele, 1 heterozygote.

PreventionGenetics, part of Exact Sciences
Classification: Likely benign for CLN3-related condition. Last evaluated: 2019-08-08. Review status: no assertion criteria provided. Collection method: clinical testing. Allele origin: germline. Not counted in ClinVar's aggregate classification.
Comment: This variant is classified as likely benign based on ACMG/AMP sequence variant interpretation guidelines (Richards et al. 2015 PMID: 25741868, with internal and published modifications).

NM_001042432.2(CLN3):c.1198-5C>T

Gene: CLN3 (CLN3 lysosomal/endosomal transmembrane protein, battenin; minus strand). Cytogenetic location: 16p12.1.
Variant type: single nucleotide variant.
Coding change: c.1198-5C>T on transcript NM_001042432.2 (MANE Select); 5 bases into the intron before coding-DNA position 1198, C replaced by T.
Molecular consequence: intron variant.
Genome position (GRCh38, 1-based): chr16:28,477,640, G>A on the plus strand (C>T on the coding strand, the complement: CLN3 is on the minus strand). VCF-style: chr16-28477640-G-A. GRCh37 (hg19) VCF-style: chr16-28488961-G-A.
Other names: c.964-5C>T (NM_001286109.2); c.1126-5C>T (NM_001286104.2); c.898-5C>T (NM_001286105.2); c.1036-5C>T (NM_001286110.2); c.1198-5C>T (NM_000086.2).
Identifiers: ClinVar variation 287485 (VCV000287485.17), dbSNP rs764999720, ClinGen allele CA7980646.
Genomic context (GRCh38, chr16:28,477,640, plus strand): 5'-AGTGTGTCAGAGATGCAGGTGGCCGCCATTGCAAACTCCCGGTGCTCATCACTGGTCTGG[G>A]AGGGCAGAGAGCAGGGGTGAGGCTTCAGTCCCAGACATCCCTGCCCTGGGTGTCCCTGGA-3'